The following is an entry in ClinVar:

ClinVar aggregate classification (germline): Uncertain significance (1 of 4 stars; one submission).

Conditions:
Brody myopathy. Also called: BRODY DISEASE. Identifiers: Orphanet 53347, MedGen C1832918, MONDO:0010977, OMIM 601003.

Submission:

Labcorp Genetics (formerly Invitae), Labcorp
Classification: Uncertain significance for Brody myopathy. Last evaluated: 2019-06-11. Review status: criteria provided, single submitter. Criteria: Invitae Variant Classification Sherloc (09022015). Collection method: clinical testing. Allele origin: germline.
Comment: In summary, the available evidence is currently insufficient to determine the role of this variant in disease. Therefore, it has been classified as a Variant of Uncertain Significance. Experimental studies and prediction algorithms are not available for this variant, and the functional significance of the deleted amino acid is currently unknown. This variant has not been reported in the literature in individuals with ATP2A1-related disease. This variant is not present in population databases (ExAC no frequency). This variant, c.2212_2214delGAC, results in the deletion of 1 amino acid of the ATP2A1 protein (p.Asp738del), but otherwise preserves the integrity of the reading frame.

NM_004320.6(ATP2A1):c.2209GAC[1] (p.Asp738del)

Gene: ATP2A1 (ATPase sarcoplasmic/endoplasmic reticulum Ca2+ transporting 1; plus strand). Cytogenetic location: 16p11.2.
Variant type: Microsatellite.
Coding change: c.2209GAC[1] on transcript NM_004320.6 (MANE Select); one copy of the 3-base unit GAC starting at c.2209; the reference has two copies in a row; one copy, 3 bases deleted.
Protein change: p.Asp738del; deletes aspartic acid 738.
Molecular consequence: inframe deletion.
Genome position (GRCh38, 1-based): chr16:28,901,974-28,901,976, GAC deleted; deleting any 3 consecutive bases within chr16:28,901,971-28,901,976 gives the same sequence; the position shown is the placement nearest the transcript's 3' end. VCF-style (leftmost placement, unchanged base first): chr16-28901970-TGAC-T. GRCh37 (hg19) VCF-style: chr16-28913291-TGAC-T.
Other names: c.1834GAC[1], p.Asp613del (NM_001286075.2); c.2209GAC[1], p.Asp738del (NM_173201.5); short protein forms D738del, D613del.
Identifiers: ClinVar variation 567416 (VCV000567416.10), dbSNP rs1180385645, ClinGen allele CA622162712.